The following is an entry in ClinVar:

ClinVar aggregate classification (germline): Conflicting classifications of pathogenicity. Review status: criteria provided, conflicting classifications (1 of 4 stars). 4 submissions from 4 submitters: Uncertain significance (1); Benign (1); Likely benign (2). Last evaluated 2025-06-12.

Conditions:
Inborn genetic diseases. Identifiers: MedGen C0950123, MeSH D030342.

Allele frequency attached by ClinVar (database versions not stated): TOPMed 0.00002; gnomAD exomes 0.00003; ExAC 0.00006.
gnomAD v4.1: 43 of 1,608,986 alleles (0.0027%); highest among the groups gnomAD compares: South Asian, 0.0055%; no homozygotes.

Submissions (4):

Labcorp Genetics (formerly Invitae), Labcorp
Classification: Benign. Last evaluated: 2025-06-12. Review status: criteria provided, single submitter. Criteria: Invitae Variant Classification Sherloc (09022015). Collection method: clinical testing. Allele origin: germline.

Laboratory of Genetics, Children's Clinical University Hospital Latvia
Classification: Likely benign. Last evaluated: 2025-02-16. Review status: criteria provided, single submitter. Criteria: ACMG Guidelines, 2015. Collection method: clinical testing. Allele origin: germline. Affected: yes.

CeGaT Center for Human Genetics Tuebingen
Classification: Uncertain significance. Last evaluated: 2024-07-01. Review status: criteria provided, single submitter. Criteria: CeGaT Center For Human Genetics Tuebingen Variant Classification Criteria Version 2. Collection method: clinical testing. Allele origin: germline. Affected: yes. Observed: 1 variant allele.
Comment: KMT2B: PM2, BP4

Ambry Genetics
Classification: Likely benign for Inborn genetic diseases. Last evaluated: 2023-03-06. Review status: criteria provided, single submitter. Criteria: Ambry Variant Classification Scheme 2023. Collection method: clinical testing. Allele origin: germline.

NM_014727.3(KMT2B):c.6130G>A (p.Ala2044Thr)

Gene: KMT2B (lysine methyltransferase 2B; plus strand). Cytogenetic location: 19q13.12.
Variant type: single nucleotide variant.
Coding change: c.6130G>A on transcript NM_014727.3 (MANE Select); coding-DNA position 6130, G replaced by A.
Protein change: p.Ala2044Thr; replaces alanine 2044 with threonine.
Molecular consequence: missense variant.
Genome position (GRCh38, 1-based): chr19:35,732,679, G>A. VCF-style: chr19-35732679-G-A. GRCh37 (hg19) VCF-style: chr19-36223580-G-A.
Other names: short protein forms A2044T.
Identifiers: ClinVar variation 2468156 (VCV002468156.23), dbSNP rs749508948, ClinGen allele CA9385612.
Genomic context (GRCh38, chr19:35,732,679, plus strand): 5'-TCCGAGGAGGAGTCCAGCCCCACCTCCCGCTACATCCACTTCCCTGTGACTGTGGTGTCC[G>A]CCCCTGGTCTGGCCCCCAGCGCTACCCCTGGAGCCCCCCGCATTGAACAGCTGGACGGCG-3'
Protein context (NP_055542.1, residues 2034-2054): YIHFPVTVVS[Ala2044Thr]PGLAPSATPG